The following is an entry in ClinVar:

ClinVar aggregate classification (germline): Uncertain significance (1 of 4 stars; one submission).

Conditions:
Mevalonic aciduria (MEVA). Identifiers: Orphanet 29, MedGen C1959626, MONDO:0012481, OMIM 610377.
Porokeratosis 3, disseminated superficial actinic type (POROK3). Also called: POROKERATOSIS, DISSEMINATED SUPERFICIAL ACTINIC, 1; POROKERATOSIS 3, MIBELLI TYPE; POROKERATOSIS 3, MULTIPLE TYPES. Identifiers: MedGen C1867981, MONDO:0008293, OMIM 175900.
Hyperimmunoglobulin D with periodic fever (HIDS). Also called: HYPERIMMUNOGLOBULINEMIA D AND PERIODIC FEVER SYNDROME; Hyperimmunoglobulinemia D; Hyperimmunoglobulinemia D with periodic fever. Identifiers: Orphanet 343, MedGen C0398691, MONDO:0009849, OMIM 260920.

Submission:

Labcorp Genetics (formerly Invitae), Labcorp
Classification: Uncertain significance for Mevalonic aciduria; Hyperimmunoglobulin D with periodic fever; Porokeratosis 3, disseminated superficial actinic type. Last evaluated: 2025-04-22. Review status: criteria provided, single submitter. Criteria: Invitae Variant Classification Sherloc (09022015). Collection method: clinical testing. Allele origin: germline.
Comment: This sequence change replaces arginine, which is basic and polar, with glycine, which is neutral and non-polar, at codon 176 of the MVK protein (p.Arg176Gly). This variant is not present in population databases (gnomAD no frequency). This variant has not been reported in the literature in individuals affected with MVK-related conditions. Invitae Evidence Modeling of protein sequence and biophysical properties (such as structural, functional, and spatial information, amino acid conservation, physicochemical variation, residue mobility, and thermodynamic stability) has been performed for this missense variant. However, the output from this modeling did not meet the statistical confidence thresholds required to predict the impact of this variant on MVK protein function. Algorithms developed to predict the effect of sequence changes on RNA splicing suggest that this variant may disrupt the consensus splice site. In summary, the available evidence is currently insufficient to determine the role of this variant in disease. Therefore, it has been classified as a Variant of Uncertain Significance.

NM_000431.4(MVK):c.526A>G (p.Arg176Gly)

Gene: MVK (mevalonate kinase; plus strand). Cytogenetic location: 12q24.11.
Variant type: single nucleotide variant.
Coding change: c.526A>G on transcript NM_000431.4 (MANE Select); coding-DNA position 526, A replaced by G.
Protein change: p.Arg176Gly; replaces arginine 176 with glycine.
Molecular consequence: missense variant. On other transcripts: 5 prime UTR variant (1), non-coding transcript variant (3), intron variant (2).
Genome position (GRCh38, 1-based): chr12:109,581,549, A>G. VCF-style: chr12-109581549-A-G. GRCh37 (hg19) VCF-style: chr12-110019354-A-G.
Other names: c.526A>G, p.Arg176Gly (NM_001114185.3, NM_001414511.1, NM_001414512.1 and 1 more transcripts); c.-57A>G (NM_001414515.1); c.371+1603A>G (NM_001414514.1, NM_001301182.2); short protein forms R176G.
Identifiers: ClinVar variation 4783711 (VCV004783711.1).